The following is an entry in ClinVar:

Conditions:
Long QT syndrome 5 (LQT5). Identifiers: Orphanet 101016, Orphanet 768, MedGen C1867904, MONDO:0013372, OMIM 613695.

Submission:

Roden Lab, Vanderbilt University Medical Center
No classification provided (evidence only). Condition: Long QT syndrome 5. Review status: no classification provided. Collection method: in vitro. Allele origin: not applicable. Functional consequence: Effect on ion channel function.
ClinVar note: "not provided" was previously submitted as the classification for the variant. However, the classification appeared to be based only on an observation of functional data so it was converted to no classification on 2025-07-30.

NM_000219.6(KCNE1):c.327T>A (p.Val109=)

Gene: KCNE1 (potassium voltage-gated channel subfamily E regulatory subunit 1; minus strand). Cytogenetic location: 21q22.12.
Variant type: single nucleotide variant.
Coding change: c.327T>A on transcript NM_000219.6 (MANE Select); coding-DNA position 327, T replaced by A.
Protein change: p.Val109=; no amino-acid change (valine 109 retained).
Molecular consequence: synonymous variant.
Genome position (GRCh38, 1-based): chr21:34,449,308, A>T on the plus strand (T>A on the coding strand, the complement: KCNE1 is on the minus strand). VCF-style: chr21-34449308-A-T. GRCh37 (hg19) VCF-style: chr21-35821606-A-T.
Other names: c.327T>A, p.Val109= (NM_001127668.4, NM_001127669.4, NM_001127670.4 and 4 more transcripts).
Identifiers: ClinVar variation 3374648 (VCV003374648.2).